The following is an entry in ClinVar:

ClinVar aggregate classification (germline): Uncertain significance. Review status: criteria provided, multiple submitters, no conflicts (2 of 4 stars). 3 submissions from 3 submitters: Uncertain significance (3). Last evaluated 2024-08-01.

Conditions:
Hereditary cancer-predisposing syndrome. Also called: Neoplastic Syndromes, Hereditary; Tumor predisposition; Hereditary neoplastic syndrome; Hereditary Cancer Syndrome. Identifiers: Orphanet 140162, MedGen C0027672, MeSH D009386, MONDO:0015356.
Cardiovascular phenotype. Identifiers: MedGen CN230736.
LZTR1-related schwannomatosis. Also called: Schwannomatosis 2; Schwannomatosis-2, susceptibility to. Identifiers: Orphanet 93921, MedGen C3810283, MONDO:0014299, OMIM 615670.

Allele frequency attached by ClinVar (database versions not stated): ExAC 0.00001; gnomAD exomes 0.00001.
gnomAD v4.1: 10 of 1,610,782 alleles (0.00062%); highest among the groups gnomAD compares: East Asian, 0.0022%; no homozygotes.

Submissions (3):

Labcorp Genetics (formerly Invitae), Labcorp
Classification: Uncertain significance. Last evaluated: 2024-08-01. Review status: criteria provided, single submitter. Criteria: Invitae Variant Classification Sherloc (09022015). Collection method: clinical testing. Allele origin: germline.
Comment: This sequence change replaces serine, which is neutral and polar, with leucine, which is neutral and non-polar, at codon 35 of the LZTR1 protein (p.Ser35Leu). The frequency data for this variant in the population databases is considered unreliable, as metrics indicate poor data quality at this position in the gnomAD database. This variant has not been reported in the literature in individuals affected with LZTR1-related conditions. Advanced modeling of protein sequence and biophysical properties (such as structural, functional, and spatial information, amino acid conservation, physicochemical variation, residue mobility, and thermodynamic stability) performed at Invitae indicates that this missense variant is not expected to disrupt LZTR1 protein function with a negative predictive value of 80%. In summary, the available evidence is currently insufficient to determine the role of this variant in disease. Therefore, it has been classified as a Variant of Uncertain Significance.

Baylor Genetics
Classification: Uncertain significance for LZTR1-related schwannomatosis. Last evaluated: 2023-11-09. Review status: criteria provided, single submitter. Criteria: ACMG Guidelines, 2015. Collection method: clinical testing. Allele origin: unknown.

Ambry Genetics
Classification: Uncertain significance for Cardiovascular phenotype; Hereditary cancer-predisposing syndrome. Last evaluated: 2023-10-15. Review status: criteria provided, single submitter. Criteria: Ambry Variant Classification Scheme 2023. Collection method: clinical testing. Allele origin: germline.
Comment: The p.S35L variant (also known as c.104C>T), located in coding exon 1 of the LZTR1 gene, results from a C to T substitution at nucleotide position 104. The serine at codon 35 is replaced by leucine, an amino acid with dissimilar properties. This amino acid position is conserved. In addition, the in silico prediction for this alteration is inconclusive. Since supporting evidence is limited at this time, the clinical significance of this alteration remains unclear.

NM_006767.4(LZTR1):c.104C>T (p.Ser35Leu)

Genes: LZTR1 (leucine zipper like post translational regulator 1; plus strand), LOC130067016 (ATAC-STARR-seq lymphoblastoid silent region 13504; plus strand). Cytogenetic location: 22q11.21.
Variant type: single nucleotide variant.
Coding change: c.104C>T on transcript NM_006767.4 (MANE Select); coding-DNA position 104, C replaced by T.
Protein change: p.Ser35Leu; replaces serine 35 with leucine.
Molecular consequence: missense variant.
Genome position (GRCh38, 1-based): chr22:20,982,475, C>T. VCF-style: chr22-20982475-C-T. GRCh37 (hg19) VCF-style: chr22-21336764-C-T.
Other names: short protein forms S35L.
Identifiers: ClinVar variation 3238008 (VCV003238008.4), dbSNP rs775067152.
Genomic context (GRCh38, chr22:20,982,475, plus strand): 5'-CCCTGGCAGGCGGCGCGCGGTCCAAGGTAGCCCCGAGCGTGGACTTCGACCATAGCTGCT[C>T]GGACAGTGTCGAGTACCTGACGCTCAACTTCGGGCCCTTCGAAACAGTGCATCGCTGGCG-3'
Protein context (NP_006758.2, residues 25-45): APSVDFDHSC[Ser35Leu]DSVEYLTLNF